The following is an entry in ClinVar:

ClinVar aggregate classification (germline): Pathogenic (1 of 4 stars; one submission).

Conditions:
Cardiovascular phenotype. Identifiers: MedGen CN230736.
Hereditary cancer-predisposing syndrome. Also called: Hereditary Cancer Syndrome; Neoplastic Syndromes, Hereditary; Tumor predisposition; Hereditary neoplastic syndrome. Identifiers: Orphanet 140162, MedGen C0027672, MeSH D009386, MONDO:0015356.

Submission:

Ambry Genetics
Classification: Pathogenic for Cardiovascular phenotype; Hereditary cancer-predisposing syndrome. Last evaluated: 2018-11-19. Review status: criteria provided, single submitter. Criteria: Ambry Variant Classification Scheme 2023. Collection method: clinical testing. Allele origin: germline.
Comment: The c.4943_4944dupTT pathogenic mutation, located in coding exon 36 of the NF1 gene, results from a duplication of TT at nucleotide position 4943, causing a translational frameshift with a predicted alternate stop codon (p.A1649Lfs*29). This alteration is expected to result in loss of function by premature protein truncation or nonsense-mediated mRNA decay. As such, this alteration is interpreted as a disease-causing mutation.

NM_001042492.3(NF1):c.5006_5007dup (p.Ala1670fs)

Gene: NF1 (neurofibromin 1; plus strand). Cytogenetic location: 17q11.2.
Variant type: Duplication.
Coding change: c.5006_5007dup on transcript NM_001042492.3 (MANE Select); coding-DNA positions 5006 to 5007, 2 bases duplicated (TT; older notation c.5006_5007dupTT).
Protein change: p.Ala1670fs; shifts the reading frame from alanine 1670.
Molecular consequence: frameshift variant.
Genome position (GRCh38, 1-based): chr17:31,325,990-31,325,991, TT duplicated; duplicating any 2 consecutive bases within chr17:31,325,989-31,325,991 gives the same sequence; the c. name uses the placement nearest the transcript's 3' end. VCF-style (leftmost placement, unchanged base first): chr17-31325988-C-CTT. GRCh37 (hg19) VCF-style: chr17-29653006-C-CTT.
Other names: c.4943_4944dupTT (NM_000267.3); c.4943_4944dup, p.Ala1649Leufs (NM_000267.4); short protein forms A1649fs, A1670fs.
Identifiers: ClinVar variation 1744289 (VCV001744289.2), dbSNP rs2508695975, ClinGen allele CA2580092987.